The following is an entry in ClinVar:

NM_001365999.1(SZT2):c.5C>T (p.Ala2Val)

Genes: SZT2 (SZT2 subunit of KICSTOR complex; plus strand), LOC129930379 (ATAC-STARR-seq lymphoblastoid silent region 783; plus strand). Cytogenetic location: 1p34.2.
Variant type: single nucleotide variant.
Coding change: c.5C>T on transcript NM_001365999.1 (MANE Select); coding-DNA position 5, C replaced by T.
Protein change: p.Ala2Val; replaces alanine 2 with valine.
Molecular consequence: missense variant.
Genome position (GRCh38, 1-based): chr1:43,389,973, C>T. VCF-style: chr1-43389973-C-T. GRCh37 (hg19) VCF-style: chr1-43855644-C-T.
Other names: c.5C>T, p.Ala2Val (NM_015284.4); short protein forms A2V.
Identifiers: ClinVar variation 948657 (VCV000948657.8), dbSNP rs1301582193, ClinGen allele CA339990010.

ClinVar aggregate classification (germline): Uncertain significance (1 of 4 stars; one submission).

Allele frequency attached by ClinVar (database versions not stated): gnomAD exomes 0.00002 and 0.00003.
gnomAD v4.1: 33 of 1,405,862 alleles (0.0023%); highest among the groups gnomAD compares: Non-Finnish European, 0.003%; no homozygotes.

Submission:

Labcorp Genetics (formerly Invitae), Labcorp
Classification: Uncertain significance. Last evaluated: 2022-08-23. Review status: criteria provided, single submitter. Criteria: Invitae Variant Classification Sherloc (09022015). Collection method: clinical testing. Allele origin: germline.
Comment: In summary, the available evidence is currently insufficient to determine the role of this variant in disease. Therefore, it has been classified as a Variant of Uncertain Significance. Algorithms developed to predict the effect of missense changes on protein structure and function are either unavailable or do not agree on the potential impact of this missense change (SIFT: "Deleterious"; PolyPhen-2: "Benign"; Align-GVGD: "Class C0"). ClinVar contains an entry for this variant (Variation ID: 948657). This variant has not been reported in the literature in individuals affected with SZT2-related conditions. This variant is present in population databases (no rsID available, gnomAD 0.004%). This sequence change replaces alanine, which is neutral and non-polar, with valine, which is neutral and non-polar, at codon 2 of the SZT2 protein (p.Ala2Val).